The following is an entry in ClinVar:

ClinVar aggregate classification (germline): Likely benign (0 of 4 stars; one submission).

Conditions:
SLC29A4-related disorder. Also called: SLC29A4-related condition.

gnomAD v4.1: 243 of 1,611,774 alleles (0.015%); highest among the groups gnomAD compares: South Asian, 0.022%; no homozygotes.

Submission:

PreventionGenetics, part of Exact Sciences
Classification: Likely benign for SLC29A4-related condition. Last evaluated: 2019-08-01. Review status: no assertion criteria provided. Collection method: clinical testing. Allele origin: germline.
Comment: This variant is classified as likely benign based on ACMG/AMP sequence variant interpretation guidelines (Richards et al. 2015 PMID: 25741868, with internal and published modifications).

NM_153247.4(SLC29A4):c.948C>T (p.Thr316=)

Gene: SLC29A4 (solute carrier family 29 member 4; plus strand). Cytogenetic location: 7p22.1.
Variant type: single nucleotide variant.
Coding change: c.948C>T on transcript NM_153247.4 (MANE Select); coding-DNA position 948, C replaced by T.
Protein change: p.Thr316=; no amino-acid change (threonine 316 retained).
Molecular consequence: synonymous variant.
Genome position (GRCh38, 1-based): chr7:5,299,053, C>T. VCF-style: chr7-5299053-C-T. GRCh37 (hg19) VCF-style: chr7-5338684-C-T.
Other names: c.948C>T, p.Thr316= (NM_001040661.3); c.906C>T, p.Thr302= (NM_001300847.3).
Identifiers: ClinVar variation 3035277 (VCV003035277.2), dbSNP rs145143117, ClinGen allele CA4142714.